The following is an entry in ClinVar:

NM_004247.4(EFTUD2):c.2045+1G>A

Gene: EFTUD2 (elongation factor Tu GTP binding domain containing 2; minus strand). Cytogenetic location: 17q21.31.
Variant type: single nucleotide variant.
Coding change: c.2045+1G>A on transcript NM_004247.4 (MANE Select); the canonical splice donor site of the intron after coding-DNA position 2045, G replaced by A.
Molecular consequence: splice donor variant.
Genome position (GRCh38, 1-based): chr17:44,857,074, C>T on the plus strand (G>A on the coding strand, the complement: EFTUD2 is on the minus strand). VCF-style: chr17-44857074-C-T. GRCh37 (hg19) VCF-style: chr17-42934442-C-T.
Other names: c.1940+1G>A (NM_001142605.2); c.2015+1G>A (NM_001258354.2); c.2045+1G>A (NM_001258353.2).
Identifiers: ClinVar variation 3378006 (VCV003378006.2).

ClinVar aggregate classification (germline): Pathogenic (1 of 4 stars; one submission).

Submission:

GeneDx
Classification: Pathogenic. Last evaluated: 2025-03-05. Review status: criteria provided, single submitter. Criteria: GeneDx Variant Classification Process June 2021. Collection method: clinical testing. Allele origin: germline. Affected: yes.
Comment: Canonical splice site variant predicted to result in a null allele in a gene for which loss of function is a known mechanism of disease; Not observed at significant frequency in large population cohorts (gnomAD); This variant is associated with the following publications: (PMID: 26507355)